The following is an entry in ClinVar:

ClinVar aggregate classification (germline): Likely benign. Review status: criteria provided, multiple submitters, no conflicts (2 of 4 stars). 2 submissions from 2 submitters: Likely benign (2). Last evaluated 2026-03-01.

Allele frequency attached by ClinVar (database versions not stated): gnomAD 0.00013; ExAC 0.00014; TOPMed 0.00015; ESP Exome Variant Server 0.00023; gnomAD exomes 0.00031.
gnomAD v4.1: 463 of 1,613,738 alleles (0.029%); highest among the groups gnomAD compares: Non-Finnish European, 0.037%; no homozygotes.

Submissions (2):

CeGaT Center for Human Genetics Tuebingen
Classification: Likely benign. Last evaluated: 2026-03-01. Review status: criteria provided, single submitter. Criteria: CeGaT Center For Human Genetics Tuebingen Variant Classification Criteria Version 2. Collection method: clinical testing. Allele origin: germline. Affected: yes. Observed: 1 variant allele.
Comment: ALPK1: BP4

Labcorp Genetics (formerly Invitae), Labcorp
Classification: Likely benign. Last evaluated: 2026-01-17. Review status: criteria provided, single submitter. Criteria: Invitae Variant Classification Sherloc (09022015). Collection method: clinical testing. Allele origin: germline.

NM_025144.4(ALPK1):c.3270C>T (p.His1090=)

Gene: ALPK1 (alpha kinase 1; plus strand). Cytogenetic location: 4q25.
Variant type: single nucleotide variant.
Coding change: c.3270C>T on transcript NM_025144.4 (MANE Select); coding-DNA position 3270, C replaced by T.
Protein change: p.His1090=; no amino-acid change (histidine 1090 retained).
Molecular consequence: synonymous variant.
Genome position (GRCh38, 1-based): chr4:112,438,565, C>T. VCF-style: chr4-112438565-C-T. GRCh37 (hg19) VCF-style: chr4-113359721-C-T.
Other names: c.3270C>T, p.His1090= (NM_001102406.2); c.3036C>T, p.His1012= (NM_001253884.2).
Identifiers: ClinVar variation 2074266 (VCV002074266.8), dbSNP rs375281997, ClinGen allele CA3047129.